The following is an entry in ClinVar:

NM_007294.4(BRCA1):c.5080del (p.Glu1694fs)

Gene: BRCA1 (BRCA1 DNA repair associated; minus strand). Cytogenetic location: 17q21.31.
Variant type: Deletion.
Coding change: c.5080del on transcript NM_007294.4 (MANE Select); coding-DNA position 5080, one base deleted (G; older notation c.5080delG).
Protein change: p.Glu1694fs; shifts the reading frame from glutamic acid 1694.
Molecular consequence: frameshift variant. On other transcripts: non-coding transcript variant (1).
Genome position (GRCh38, 1-based): chr17:43,063,946, C deleted on the plus strand (G on the coding strand, the reverse complement: BRCA1 is on the minus strand). VCF-style (leftmost placement, unchanged base first): chr17-43063945-TC-T. GRCh37 (hg19) VCF-style: chr17-41215962-TC-T.
Other names: c.4870delG, p.Glu1624Serfs (NM_001407886.1, NM_001407887.1, NM_001407889.1 and 5 more transcripts); c.1627delG, p.Glu543Serfs (NM_001408467.1, NM_001408458.1, NM_001408459.1 and 7 more transcripts); c.1624delG, p.Glu542Serfs (NM_001408468.1, NM_001408469.1, NM_001408470.1); c.1570delG, p.Glu524Serfs (NM_001408474.1); c.1567delG, p.Glu523Serfs (NM_001408476.1, NM_001408475.1); c.1561delG, p.Glu521Serfs (NM_001408478.1, NM_001408479.1, NM_001408480.1); c.1768delG, p.Glu590Serfs (NM_001408472.1, NM_001407979.1, NM_001407980.1 and 12 more transcripts); c.4867delG, p.Glu1623Serfs (NM_001407897.1, NM_001407895.1, NM_001407894.1 and 12 more transcripts); and 74 more; short protein forms E590fs, E1715fs, E1647fs, E1694fs.
Identifiers: ClinVar variation 479233 (VCV000479233.6), dbSNP rs1555578650, ClinGen allele CA658656679.

ClinVar aggregate classification (germline): Pathogenic (1 of 4 stars; one submission).

Conditions:
Hereditary cancer-predisposing syndrome. Also called: Neoplastic Syndromes, Hereditary; Hereditary Cancer Syndrome; Hereditary neoplastic syndrome; Tumor predisposition. Identifiers: Orphanet 140162, MedGen C0027672, MeSH D009386, MONDO:0015356.

Submission:

Ambry Genetics
Classification: Pathogenic for Hereditary cancer-predisposing syndrome. Last evaluated: 2017-11-02. Review status: criteria provided, single submitter. Criteria: Ambry Variant Classification Scheme 2023. Collection method: clinical testing. Allele origin: germline.
Comment: The c.5080delG pathogenic mutation, located in coding exon 16 of the BRCA1 gene, results from a deletion of one nucleotide at nucleotide position 5080, causing a translational frameshift with a predicted alternate stop codon (p.E1694Sfs*8). This alteration is expected to result in loss of function by premature protein truncation or nonsense-mediated mRNA decay. As such, this alteration is interpreted as a disease-causing mutation.